The following is an entry in ClinVar:

ClinVar aggregate classification (germline): Conflicting classifications of pathogenicity. Review status: criteria provided, conflicting classifications (1 of 4 stars). 4 submissions from 4 submitters: Uncertain significance (1); Likely benign (3). Last evaluated 2024-11-19.

Conditions:
Inborn genetic diseases. Identifiers: MedGen C0950123, MeSH D030342.
Xeroderma pigmentosum, group D (XPD). Also called: XERODERMA PIGMENTOSUM, COMPLEMENTATION GROUP D; XERODERMA PIGMENTOSUM IV; XP, GROUP D; XP, GROUP H; ERCC2-Related Xeroderma Pigmentosum. Identifiers: MedGen C0268138, MONDO:0010212, OMIM 278730.

Allele frequency attached by ClinVar (database versions not stated): ExAC 0.00002; gnomAD exomes 0.00003.

Submissions (4):

Labcorp Genetics (formerly Invitae), Labcorp
Classification: Likely benign. Last evaluated: 2024-11-19. Review status: criteria provided, single submitter. Criteria: Invitae Variant Classification Sherloc (09022015). Collection method: clinical testing. Allele origin: germline.

CeGaT Center for Human Genetics Tuebingen
Classification: Likely benign. Last evaluated: 2023-07-01. Review status: criteria provided, single submitter. Criteria: CeGaT Center For Human Genetics Tuebingen Variant Classification Criteria Version 2. Collection method: clinical testing. Allele origin: germline. Affected: yes. Observed: 1 variant allele.
Comment: ERCC2: BP4, BP7

Ambry Genetics
Classification: Likely benign for Inborn genetic diseases. Last evaluated: 2022-03-03. Review status: criteria provided, single submitter. Criteria: Ambry Variant Classification Scheme 2023. Collection method: clinical testing. Allele origin: germline.

Illumina Laboratory Services, Illumina
Classification: Uncertain significance for Xeroderma pigmentosum, group D. Last evaluated: 2018-01-13. Review status: criteria provided, single submitter. Criteria: ICSL Variant Classification Criteria 13 December 2019. Collection method: clinical testing. Allele origin: germline.

NM_000400.4(ERCC2):c.57C>T (p.Pro19=)

Gene: ERCC2 (ERCC excision repair 2, TFIIH core complex helicase subunit; minus strand). Cytogenetic location: 19q13.32.
Variant type: single nucleotide variant.
Coding change: c.57C>T on transcript NM_000400.4 (MANE Select); coding-DNA position 57, C replaced by T.
Protein change: p.Pro19=; no amino-acid change (proline 19 retained).
Molecular consequence: synonymous variant. On other transcripts: 5 prime UTR variant (1).
Genome position (GRCh38, 1-based): chr19:45,370,181, G>A on the plus strand (C>T on the coding strand, the complement: ERCC2 is on the minus strand). VCF-style: chr19-45370181-G-A. GRCh37 (hg19) VCF-style: chr19-45873439-G-A.
Other names: c.-16C>T (NM_001130867.2).
Identifiers: ClinVar variation 894711 (VCV000894711.37), dbSNP rs369106754, ClinGen allele CA9513947.